The following is an entry in ClinVar:

ClinVar aggregate classification (germline): Uncertain significance. Review status: criteria provided, multiple submitters, no conflicts (2 of 4 stars). 2 submissions from 2 submitters: Uncertain significance (2). Last evaluated 2025-04-07.

gnomAD v4.1: 1 of 1,614,094 alleles (0.000062%); no homozygotes.

Submissions (2):

Labcorp Genetics (formerly Invitae), Labcorp
Classification: Uncertain significance. Last evaluated: 2025-04-07. Review status: criteria provided, single submitter. Criteria: Invitae Variant Classification Sherloc (09022015). Collection method: clinical testing. Allele origin: germline.
Comment: This sequence change replaces arginine, which is basic and polar, with leucine, which is neutral and non-polar, at codon 1081 of the SPTA1 protein (p.Arg1081Leu). This variant is not present in population databases (gnomAD no frequency). This variant has not been reported in the literature in individuals affected with SPTA1-related conditions. Invitae Evidence Modeling of protein sequence and biophysical properties (such as structural, functional, and spatial information, amino acid conservation, physicochemical variation, residue mobility, and thermodynamic stability) indicates that this missense variant is not expected to disrupt SPTA1 protein function with a negative predictive value of 80%. In summary, the available evidence is currently insufficient to determine the role of this variant in disease. Therefore, it has been classified as a Variant of Uncertain Significance.

Revvity Omics, Revvity
Classification: Uncertain significance. Last evaluated: 2024-12-21. Review status: criteria provided, single submitter. Criteria: ACMG Guidelines, 2015. Collection method: clinical testing. Allele origin: germline.

NM_003126.4(SPTA1):c.3242G>T (p.Arg1081Leu)

Gene: SPTA1 (spectrin alpha, erythrocytic 1; minus strand). Cytogenetic location: 1q23.1.
Variant type: single nucleotide variant.
Coding change: c.3242G>T on transcript NM_003126.4 (MANE Select); coding-DNA position 3242, G replaced by T.
Protein change: p.Arg1081Leu; replaces arginine 1081 with leucine.
Molecular consequence: missense variant.
Genome position (GRCh38, 1-based): chr1:158,652,600, C>A on the plus strand (G>T on the coding strand, the complement: SPTA1 is on the minus strand). VCF-style: chr1-158652600-C-A. GRCh37 (hg19) VCF-style: chr1-158622390-C-A.
Other names: short protein forms R1081L.
Identifiers: ClinVar variation 4080239 (VCV004080239.2).
Genomic context (GRCh38, chr1:158,652,600, plus strand): 5'-TTCTCTTGAATCCATTCCAGCATGTCTCCTGCCTCATAGGCCAATAAAAATTCATTATAA[C>A]GTTGCAATAGACGACGTCTGCGTTCTTCTGCCCGATCCAAGAGGGAGCGGTATCTGGATG-3'
Protein context (NP_003117.2, residues 1071-1091): AEERRRRLLQ[Arg1081Leu]YNEFLLAYEA